The following is an entry in ClinVar:

ClinVar aggregate classification (germline): Conflicting classifications of pathogenicity. Review status: criteria provided, conflicting classifications (1 of 4 stars). 4 submissions from 4 submitters: Uncertain significance (1); Likely benign (2). 1 of the submissions does not count toward it. Last evaluated 2025-11-13.

Conditions:
Hereditary pulmonary alveolar proteinosis. Also called: Pulmonary surfactant metabolism dysfunction. Identifiers: Orphanet 264675, MedGen C3711368, MONDO:0012580.
Interstitial lung disease due to ABCA3 deficiency. Also called: PULMONARY ALVEOLAR PROTEINOSIS, CONGENITAL, 3. Identifiers: Orphanet 440402, MedGen C1970456, MONDO:0012582, OMIM 610921.
ABCA3-related disorder. Also called: ABCA3-related condition.

Allele frequency attached by ClinVar (database versions not stated): ExAC 0.00010; gnomAD 0.00011; gnomAD exomes 0.00012; TOPMed 0.00012; ESP Exome Variant Server 0.00046.
gnomAD v4.1: 192 of 1,613,652 alleles (0.012%); highest among the groups gnomAD compares: Admixed American, 0.023%; 1 homozygote.

Submissions (4):

Labcorp Genetics (formerly Invitae), Labcorp
Classification: Likely benign. Last evaluated: 2025-11-13. Review status: criteria provided, single submitter. Criteria: Invitae Variant Classification Sherloc (09022015). Collection method: clinical testing. Allele origin: germline.

Ambry Genetics
Classification: Likely benign for Hereditary pulmonary alveolar proteinosis. Last evaluated: 2023-02-04. Review status: criteria provided, single submitter. Criteria: Ambry Variant Classification Scheme 2023. Collection method: clinical testing. Allele origin: germline.

Illumina Laboratory Services, Illumina
Classification: Uncertain significance for Interstitial lung disease due to ABCA3 deficiency. Last evaluated: 2018-03-30. Review status: criteria provided, single submitter. Criteria: ICSL Variant Classification Criteria 13 December 2019. Collection method: clinical testing. Allele origin: germline.

PreventionGenetics, part of Exact Sciences
Classification: Likely benign for ABCA3-related condition. Last evaluated: 2024-08-28. Review status: no assertion criteria provided. Collection method: clinical testing. Allele origin: germline. Not counted in ClinVar's aggregate classification.
Comment: This variant is classified as likely benign based on ACMG/AMP sequence variant interpretation guidelines (Richards et al. 2015 PMID: 25741868, with internal and published modifications).

NM_001089.3(ABCA3):c.747G>A (p.Pro249=)

Gene: ABCA3 (ATP binding cassette subfamily A member 3; minus strand). Cytogenetic location: 16p13.3.
Variant type: single nucleotide variant.
Coding change: c.747G>A on transcript NM_001089.3 (MANE Select); coding-DNA position 747, G replaced by A.
Protein change: p.Pro249=; no amino-acid change (proline 249 retained).
Molecular consequence: synonymous variant.
Genome position (GRCh38, 1-based): chr16:2,319,707, C>T on the plus strand (G>A on the coding strand, the complement: ABCA3 is on the minus strand). VCF-style: chr16-2319707-C-T. GRCh37 (hg19) VCF-style: chr16-2369708-C-T.
Identifiers: ClinVar variation 886305 (VCV000886305.10), dbSNP rs139952718, ClinGen allele CA7841531.
Genomic context (GRCh38, chr16:2,319,707, plus strand): 5'-GAGCAGCAGCAGCAGGGGCAGCTGGTACTGGATGGCCACGAGGAAGGGGTCTGCGATGAA[C>T]GGCGGGTACGGGAACCTCTTGATGGTCACCGTCAGTCTCTGGAACAGCTGGCGTGTGGCG-3'
Protein context (NP_001080.2, residues 239-259): TVTIKRFPYP[Pro249=]FIADPFLVAI